The following is an entry in ClinVar:

ClinVar aggregate classification (germline): Uncertain significance (1 of 4 stars; one submission).

Allele frequency attached by ClinVar (database versions not stated): ExAC 0.00001; gnomAD 0.00001; gnomAD exomes 0.00001; TOPMed 0.00001.

Submission:

Labcorp Genetics (formerly Invitae), Labcorp
Classification: Uncertain significance. Last evaluated: 2022-05-06. Review status: criteria provided, single submitter. Criteria: Invitae Variant Classification Sherloc (09022015). Collection method: clinical testing. Allele origin: germline.
Comment: In summary, the available evidence is currently insufficient to determine the role of this variant in disease. Therefore, it has been classified as a Variant of Uncertain Significance. Algorithms developed to predict the effect of sequence changes on RNA splicing suggest that this variant may create or strengthen a splice site. Algorithms developed to predict the effect of missense changes on protein structure and function are either unavailable or do not agree on the potential impact of this missense change (SIFT: "Deleterious"; PolyPhen-2: "Probably Damaging"; Align-GVGD: "Class C0"). This variant has not been reported in the literature in individuals affected with CFB-related conditions. This variant is present in population databases (rs775697027, gnomAD 0.003%). This sequence change replaces glycine, which is neutral and non-polar, with serine, which is neutral and polar, at codon 134 of the CFB protein (p.Gly134Ser).

NM_001710.6(CFB):c.400G>A (p.Gly134Ser)

Gene: CFB (complement factor B; plus strand). Cytogenetic location: 6p21.33.
Variant type: single nucleotide variant.
Coding change: c.400G>A on transcript NM_001710.6 (MANE Select); coding-DNA position 400, G replaced by A.
Protein change: p.Gly134Ser; replaces glycine 134 with serine.
Molecular consequence: missense variant.
Genome position (GRCh38, 1-based): chr6:31,947,108, G>A. VCF-style: chr6-31947108-G-A. GRCh37 (hg19) VCF-style: chr6-31914885-G-A.
Other names: short protein forms G134S.
Identifiers: ClinVar variation 2134644 (VCV002134644.4), dbSNP rs775697027, ClinGen allele CA3728026.